The following is an entry in ClinVar:

NM_002185.5(IL7R):c.1250C>T (p.Pro417Leu)

Gene: IL7R (interleukin 7 receptor; plus strand). Cytogenetic location: 5p13.2.
Variant type: single nucleotide variant.
Coding change: c.1250C>T on transcript NM_002185.5 (MANE Select); coding-DNA position 1250, C replaced by T.
Protein change: p.Pro417Leu; replaces proline 417 with leucine.
Molecular consequence: missense variant. On other transcripts: non-coding transcript variant (1).
Genome position (GRCh38, 1-based): chr5:35,876,356, C>T. VCF-style: chr5-35876356-C-T. GRCh37 (hg19) VCF-style: chr5-35876458-C-T.
Other names: c.1250C>T (NM_002185.2); short protein forms P417L.
Identifiers: ClinVar variation 946254 (VCV000946254.8), dbSNP rs201661275, ClinGen allele CA116976335.

ClinVar aggregate classification (germline): Uncertain significance. Review status: criteria provided, multiple submitters, no conflicts (2 of 4 stars). 2 submissions from 2 submitters: Uncertain significance (2). Last evaluated 2025-01-21.

Conditions:
Inborn genetic diseases. Identifiers: MedGen C0950123, MeSH D030342.
Immunodeficiency 104. Also called: IMMUNODEFICIENCY 104, SEVERE COMBINED; SCID, AUTOSOMAL RECESSIVE, T CELL-NEGATIVE, B CELL-POSITIVE, NK CELL-POSITIVE; Severe combined immunodeficiency, autosomal recessive, T cell-negative, B cell-positive, NK cell-positive; Severe Combined Immune Deficiency, Autosomal Recessive, TCell -Negative, B Cell-Positive, NK Cell-Positive, IL7R-Related. Identifiers: MedGen C5676890, MONDO:0012163, OMIM 608971.

Allele frequency attached by ClinVar (database versions not stated): TOPMed below 0.00001.
gnomAD v4.1: 14 of 1,613,286 alleles (0.00087%); highest among the groups gnomAD compares: African/African-American, 0.011%; 1 homozygote.

Submissions (2):

Ambry Genetics
Classification: Uncertain significance for Inborn genetic diseases. Last evaluated: 2025-01-21. Review status: criteria provided, single submitter. Criteria: Ambry Variant Classification Scheme 2023. Collection method: clinical testing. Allele origin: germline.

Labcorp Genetics (formerly Invitae), Labcorp
Classification: Uncertain significance for Immunodeficiency 104. Last evaluated: 2025-01-13. Review status: criteria provided, single submitter. Criteria: Invitae Variant Classification Sherloc (09022015). Collection method: clinical testing. Allele origin: germline.
Comment: This sequence change replaces proline, which is neutral and non-polar, with leucine, which is neutral and non-polar, at codon 417 of the IL7R protein (p.Pro417Leu). This variant is not present in population databases (gnomAD no frequency). This variant has not been reported in the literature in individuals affected with IL7R-related conditions. ClinVar contains an entry for this variant (Variation ID: 946254). Invitae Evidence Modeling of protein sequence and biophysical properties (such as structural, functional, and spatial information, amino acid conservation, physicochemical variation, residue mobility, and thermodynamic stability) indicates that this missense variant is not expected to disrupt IL7R protein function with a negative predictive value of 95%. In summary, the available evidence is currently insufficient to determine the role of this variant in disease. Therefore, it has been classified as a Variant of Uncertain Significance.